The following is an entry in ClinVar:

NM_000179.3(MSH6):c.815A>C (p.Glu272Ala)

Gene: MSH6 (mutS homolog 6; plus strand). Cytogenetic location: 2p16.3.
Variant type: single nucleotide variant.
Coding change: c.815A>C on transcript NM_000179.3 (MANE Select); coding-DNA position 815, A replaced by C.
Protein change: p.Glu272Ala; replaces glutamic acid 272 with alanine.
Molecular consequence: missense variant. On other transcripts: 5 prime UTR variant (2).
Genome position (GRCh38, 1-based): chr2:47,798,798, A>C. VCF-style: chr2-47798798-A-C. GRCh37 (hg19) VCF-style: chr2-48025937-A-C.
Other names: c.425A>C, p.Glu142Ala (NM_001281492.2); c.-92A>C (NM_001281493.2, NM_001281494.2); short protein forms E142A, E272A.
Identifiers: ClinVar variation 1515589 (VCV001515589.9), dbSNP rs2104299198, ClinGen allele CA346740397.

ClinVar aggregate classification (germline): Uncertain significance. Review status: criteria provided, multiple submitters, no conflicts (2 of 4 stars). 3 submissions from 3 submitters: Uncertain significance (3). Last evaluated 2023-11-02.

Conditions:
Hereditary nonpolyposis colorectal neoplasms. Identifiers: MedGen C0009405, MeSH D003123.
Hereditary cancer-predisposing syndrome. Also called: Tumor predisposition; Neoplastic Syndromes, Hereditary; Hereditary neoplastic syndrome; Hereditary Cancer Syndrome. Identifiers: Orphanet 140162, MedGen C0027672, MeSH D009386, MONDO:0015356.
Lynch syndrome. Identifiers: Orphanet 144, MedGen C4552100, MONDO:0005835. Disease mechanism: loss of function.

Submissions (3):

All of Us Research Program, National Institutes of Health
Classification: Uncertain significance for Lynch syndrome. Last evaluated: 2023-11-02. Review status: criteria provided, single submitter. Criteria: ACMG Guidelines, 2015. Collection method: clinical testing. Allele origin: germline. Inheritance: Autosomal dominant inheritance. Observed: 1 variant allele, 1 heterozygote.
Comment: This missense variant replaces glutamic acid with alanine at codon 272 of the MSH6 protein. Computational prediction suggests that this variant may not impact protein structure and function (internally defined REVEL score threshold <= 0.5, PMID: 27666373). To our knowledge, functional studies have not been reported for this variant. This variant has not been reported in individuals affected with MSH6-related disorders in the literature. This variant has not been identified in the general population by the Genome Aggregation Database (gnomAD). The available evidence is insufficient to determine the role of this variant in disease conclusively. Therefore, this variant is classified as a Variant of Uncertain Significance.

This study involves interpretation of variants in research participants for the purpose of population health screening. Participant phenotype was not available at the time of variant classification. Additional details can be found in publication PMID: 35346344, PMCID: PMC8962531

Labcorp Genetics (formerly Invitae), Labcorp
Classification: Uncertain significance for Hereditary nonpolyposis colorectal neoplasms. Last evaluated: 2023-08-02. Review status: criteria provided, single submitter. Criteria: Invitae Variant Classification Sherloc (09022015). Collection method: clinical testing. Allele origin: germline.
Comment: In summary, the available evidence is currently insufficient to determine the role of this variant in disease. Therefore, it has been classified as a Variant of Uncertain Significance. Advanced modeling of protein sequence and biophysical properties (such as structural, functional, and spatial information, amino acid conservation, physicochemical variation, residue mobility, and thermodynamic stability) performed at Invitae indicates that this missense variant is not expected to disrupt MSH6 protein function. ClinVar contains an entry for this variant (Variation ID: 1515589). This variant has not been reported in the literature in individuals affected with MSH6-related conditions. This variant is not present in population databases (gnomAD no frequency). This sequence change replaces glutamic acid, which is acidic and polar, with alanine, which is neutral and non-polar, at codon 272 of the MSH6 protein (p.Glu272Ala).

Ambry Genetics
Classification: Uncertain significance for Hereditary cancer-predisposing syndrome. Last evaluated: 2020-05-12. Review status: criteria provided, single submitter. Criteria: Ambry Variant Classification Scheme 2023. Collection method: clinical testing. Allele origin: germline.
Comment: The p.E272A variant (also known as c.815A>C), located in coding exon 4 of the MSH6 gene, results from an A to C substitution at nucleotide position 815. The glutamic acid at codon 272 is replaced by alanine, an amino acid with dissimilar properties. This amino acid position is well conserved in available vertebrate species. In addition, this alteration is predicted to be tolerated by in silico analysis. Since supporting evidence is limited at this time, the clinical significance of this alteration remains unclear.